The following is an entry in ClinVar:

NM_000540.3(RYR1):c.14766C>G (p.Phe4922Leu)

Gene: RYR1 (ryanodine receptor 1; plus strand). Cytogenetic location: 19q13.2.
Variant type: single nucleotide variant.
Coding change: c.14766C>G on transcript NM_000540.3 (MANE Select); coding-DNA position 14766, C replaced by G.
Protein change: p.Phe4922Leu; replaces phenylalanine 4922 with leucine.
Molecular consequence: missense variant.
Genome position (GRCh38, 1-based): chr19:38,585,062, C>G. VCF-style: chr19-38585062-C-G. GRCh37 (hg19) VCF-style: chr19-39075702-C-G.
Other names: c.14751C>G, p.Phe4917Leu (NM_001042723.2); short protein forms F4917L, F4922L.
Identifiers: ClinVar variation 1057980 (VCV001057980.10), dbSNP rs1599674487, ClinGen allele CA405690927.

ClinVar aggregate classification (germline): Uncertain significance. Review status: criteria provided, multiple submitters, no conflicts (2 of 4 stars). 2 submissions from 2 submitters: Uncertain significance (2). Last evaluated 2025-11-08.

Conditions:
RYR1-related disorder. Also called: RYR1-related condition; RYR1-related disorders. Identifiers: MedGen CN239331.

Submissions (2):

Labcorp Genetics (formerly Invitae), Labcorp
Classification: Uncertain significance for RYR1-related disorder. Last evaluated: 2025-11-08. Review status: criteria provided, single submitter. Criteria: Invitae Variant Classification Sherloc (09022015). Collection method: clinical testing. Allele origin: germline.
Comment: This sequence change replaces phenylalanine, which is neutral and non-polar, with leucine, which is neutral and non-polar, at codon 4922 of the RYR1 protein (p.Phe4922Leu). This variant is not present in population databases (gnomAD no frequency). This variant has not been reported in the literature in individuals affected with RYR1-related conditions. ClinVar contains an entry for this variant (Variation ID: 1057980). Invitae Evidence Modeling of protein sequence and biophysical properties (such as structural, functional, and spatial information, amino acid conservation, physicochemical variation, residue mobility, and thermodynamic stability) indicates that this missense variant is expected to disrupt RYR1 protein function with a positive predictive value of 80%. In summary, the available evidence is currently insufficient to determine the role of this variant in disease. Therefore, it has been classified as a Variant of Uncertain Significance.

GeneDx
Classification: Uncertain significance. Last evaluated: 2019-11-12. Review status: criteria provided, single submitter. Criteria: GeneDx Variant Classification Process June 2021. Collection method: clinical testing. Allele origin: germline. Affected: yes.
Comment: Not observed in large population cohorts (Lek et al., 2016); In silico analysis, which includes protein predictors and evolutionary conservation, supports a deleterious effect; Has not been previously published as pathogenic or benign to our knowledge